The following is an entry in ClinVar:

NM_003072.5(SMARCA4):c.1943G>C (p.Gly648Ala)

Gene: SMARCA4 (SWI/SNF related BAF chromatin remodeling complex subunit ATPase 4; plus strand). Cytogenetic location: 19p13.2.
Variant type: single nucleotide variant.
Coding change: c.1943G>C on transcript NM_003072.5 (MANE Select); coding-DNA position 1943, G replaced by C.
Protein change: p.Gly648Ala; replaces glycine 648 with alanine.
Molecular consequence: missense variant. On other transcripts: non-coding transcript variant (1).
Genome position (GRCh38, 1-based): chr19:11,003,159, G>C. VCF-style: chr19-11003159-G-C. GRCh37 (hg19) VCF-style: chr19-11113835-G-C.
Other names: c.1943G>C, p.Gly648Ala (NM_001128844.3, NM_001128845.2, NM_001128846.2 and 6 more transcripts); short protein forms G648A.
Identifiers: ClinVar variation 2825898 (VCV002825898.3), dbSNP rs2146099555, ClinGen allele CA404051731.

ClinVar aggregate classification (germline): Uncertain significance (1 of 4 stars; one submission).

Conditions:
Rhabdoid tumor predisposition syndrome 2 (RTPS2). Identifiers: Orphanet 231108, Orphanet 69077, MedGen C2750074, MONDO:0013224, OMIM 613325.

Submission:

Labcorp Genetics (formerly Invitae), Labcorp
Classification: Uncertain significance for Rhabdoid tumor predisposition syndrome 2. Last evaluated: 2023-01-02. Review status: criteria provided, single submitter. Criteria: Invitae Variant Classification Sherloc (09022015). Collection method: clinical testing. Allele origin: germline.
Comment: This sequence change replaces glycine, which is neutral and non-polar, with alanine, which is neutral and non-polar, at codon 648 of the SMARCA4 protein (p.Gly648Ala). This variant also falls at the last nucleotide of exon 12, which is part of the consensus splice site for this exon. In summary, the available evidence is currently insufficient to determine the role of this variant in disease. Therefore, it has been classified as a Variant of Uncertain Significance. Variants that disrupt the consensus splice site are a relatively common cause of aberrant splicing (PMID: 17576681, 9536098). Algorithms developed to predict the effect of missense changes on protein structure and function (SIFT, PolyPhen-2, Align-GVGD) all suggest that this variant is likely to be disruptive. This variant has not been reported in the literature in individuals affected with SMARCA4-related conditions. This variant is not present in population databases (gnomAD no frequency).

Literature cited by the submitters: PubMed 17576681; PubMed 9536098.